The following is an entry in ClinVar:

NM_000202.8(IDS):c.749C>T (p.Ala250Val)

Genes: IDS (iduronate 2-sulfatase; minus strand), LOC106050102 (IDS recombination region; plus strand). Cytogenetic location: Xq28.
Variant type: single nucleotide variant.
Coding change: c.749C>T on transcript NM_000202.8 (MANE Select); coding-DNA position 749, C replaced by T.
Protein change: p.Ala250Val; replaces alanine 250 with valine.
Molecular consequence: missense variant. On other transcripts: non-coding transcript variant (1).
Genome position (GRCh38, 1-based): chrX:149,496,476, G>A on the plus strand (C>T on the coding strand, the complement: IDS is on the minus strand). VCF-style: chrX-149496476-G-A. GRCh37 (hg19) VCF-style: chrX-148578007-G-A.
Other names: c.479C>T, p.Ala160Val (NM_001166550.4); c.749C>T, p.Ala250Val (NM_006123.5); short protein forms A250V, A160V.
Identifiers: ClinVar variation 2141954 (VCV002141954.3), dbSNP rs782517589, ClinGen allele CA10537608.

ClinVar aggregate classification (germline): Uncertain significance (1 of 4 stars; one submission).

Conditions:
Mucopolysaccharidosis, MPS-II (MPS2). Also called: Mucopolysaccharidosis with skin involvement; Mucopolysaccharidosis Type II; IDS deficiency; Sulfoiduronate sulfatase deficiency; SIDS deficiency; Mucopolysaccharidosis type 2. Identifiers: Orphanet 580, Orphanet 79388, MedGen C0026705, MONDO:0010674, OMIM 309900.

Allele frequency attached by ClinVar (database versions not stated): gnomAD exomes 0.00001; ExAC 0.00002; TOPMed 0.00002.

Submission:

Labcorp Genetics (formerly Invitae), Labcorp
Classification: Uncertain significance for Mucopolysaccharidosis, MPS-II. Last evaluated: 2025-01-06. Review status: criteria provided, single submitter. Criteria: Invitae Variant Classification Sherloc (09022015). Collection method: clinical testing. Allele origin: germline.
Comment: This sequence change replaces alanine, which is neutral and non-polar, with valine, which is neutral and non-polar, at codon 250 of the IDS protein (p.Ala250Val). This variant is present in population databases (rs782517589, gnomAD 0.03%), including at least one homozygous and/or hemizygous individual. This variant has not been reported in the literature in individuals affected with IDS-related conditions. ClinVar contains an entry for this variant (Variation ID: 2141954). Invitae Evidence Modeling of protein sequence and biophysical properties (such as structural, functional, and spatial information, amino acid conservation, physicochemical variation, residue mobility, and thermodynamic stability) indicates that this missense variant is expected to disrupt IDS protein function with a positive predictive value of 80%. In summary, the available evidence is currently insufficient to determine the role of this variant in disease. Therefore, it has been classified as a Variant of Uncertain Significance.